The following is an entry in ClinVar:

ClinVar aggregate classification (germline): Conflicting classifications of pathogenicity. Review status: criteria provided, conflicting classifications (1 of 4 stars). 2 submissions from 2 submitters: Uncertain significance (1); Likely benign (1). Last evaluated 2025-07-15.

gnomAD v4.1: 72 of 1,612,314 alleles (0.0045%); highest among the groups gnomAD compares: African/African-American, 0.011%; no homozygotes.

Submissions (2):

Labcorp Genetics (formerly Invitae), Labcorp
Classification: Uncertain significance. Last evaluated: 2025-07-15. Review status: criteria provided, single submitter. Criteria: Invitae Variant Classification Sherloc (09022015). Collection method: clinical testing. Allele origin: germline.
Comment: This sequence change falls in intron 6 of the PAX5 gene. It does not directly change the encoded amino acid sequence of the PAX5 protein. It affects a nucleotide within the consensus splice site. This variant is present in population databases (rs539189649, gnomAD 0.01%). This variant has not been reported in the literature in individuals affected with PAX5-related conditions. Variants that disrupt the consensus splice site are a relatively common cause of aberrant splicing (PMID: 17576681, 9536098). Algorithms developed to predict the effect of sequence changes on RNA splicing suggest that this variant is not likely to affect RNA splicing. In summary, the available evidence is currently insufficient to determine the role of this variant in disease. Therefore, it has been classified as a Variant of Uncertain Significance.

Blueprint Genetics
Classification: Likely benign. Last evaluated: 2024-07-04. Review status: criteria provided, single submitter. Criteria: ACMG Guidelines, 2015. Collection method: clinical testing. Allele origin: germline.

Literature cited by the submitters: PubMed 17576681 (cited by Labcorp Genetics (formerly Invitae), Labcorp); PubMed 9536098 (cited by Labcorp Genetics (formerly Invitae), Labcorp).

NM_016734.3(PAX5):c.780+4C>T

Gene: PAX5 (paired box 5; minus strand). Cytogenetic location: 9p13.2.
Variant type: single nucleotide variant.
Coding change: c.780+4C>T on transcript NM_016734.3 (MANE Select); 4 bases into the intron after coding-DNA position 780, C replaced by T.
Molecular consequence: intron variant.
Genome position (GRCh38, 1-based): chr9:36,966,545, G>A on the plus strand (C>T on the coding strand, the complement: PAX5 is on the minus strand). VCF-style: chr9-36966545-G-A. GRCh37 (hg19) VCF-style: chr9-36966542-G-A.
Other names: c.456+4C>T (NM_001280551.2, NM_001280556.2); c.582+4C>T (NM_001280555.2); c.651+4C>T (NM_001280553.2, NM_001280554.2); c.780+4C>T (NM_001280550.2, NM_001280549.2, NM_001280552.2 and 2 more transcripts).
Identifiers: ClinVar variation 4754245 (VCV004754245.2).